The following is an entry in ClinVar:

ClinVar aggregate classification (germline): Uncertain significance (1 of 4 stars; one submission).

Allele frequency attached by ClinVar (database versions not stated): gnomAD 0.00003; gnomAD exomes 0.00003; TOPMed 0.00004; ExAC 0.00018.

Submission:

Labcorp Genetics (formerly Invitae), Labcorp
Classification: Uncertain significance. Last evaluated: 2025-07-07. Review status: criteria provided, single submitter. Criteria: Invitae Variant Classification Sherloc (09022015). Collection method: clinical testing. Allele origin: germline.
Comment: This sequence change replaces aspartic acid, which is acidic and polar, with asparagine, which is neutral and polar, at codon 315 of the TCF3 protein (p.Asp315Asn). This variant is present in population databases (rs756484433, gnomAD 0.04%). This variant has not been reported in the literature in individuals affected with TCF3-related conditions. ClinVar contains an entry for this variant (Variation ID: 2186569). Invitae Evidence Modeling of protein sequence and biophysical properties (such as structural, functional, and spatial information, amino acid conservation, physicochemical variation, residue mobility, and thermodynamic stability) indicates that this missense variant is expected to disrupt TCF3 protein function with a positive predictive value of 80%. In summary, the available evidence is currently insufficient to determine the role of this variant in disease. Therefore, it has been classified as a Variant of Uncertain Significance.

NM_003200.5(TCF3):c.943G>A (p.Asp315Asn)

Gene: TCF3 (transcription factor 3; minus strand). Cytogenetic location: 19p13.3.
Variant type: single nucleotide variant.
Coding change: c.943G>A on transcript NM_003200.5 (MANE Select); coding-DNA position 943, G replaced by A.
Protein change: p.Asp315Asn; replaces aspartic acid 315 with asparagine.
Molecular consequence: missense variant.
Genome position (GRCh38, 1-based): chr19:1,621,850, C>T on the plus strand (G>A on the coding strand, the complement: TCF3 is on the minus strand). VCF-style: chr19-1621850-C-T. GRCh37 (hg19) VCF-style: chr19-1621849-C-T.
Other names: c.943G>A, p.Asp315Asn (NM_001136139.4, NM_001351778.2, NM_001351779.2); short protein forms D315N.
Identifiers: ClinVar variation 2186569 (VCV002186569.4), dbSNP rs756484433, ClinGen allele CA9050156.